The following is an entry in ClinVar:

ClinVar aggregate classification (germline): Uncertain significance (1 of 4 stars; one submission).

Conditions:
Angelman syndrome-like. Identifiers: MedGen CN128785.
Developmental and epileptic encephalopathy, 2 (DEE2). Also called: INFANTILE SPASM SYNDROME, X-LINKED 2; CDKL5 deficiency disorder. Identifiers: Orphanet 1934, Orphanet 3451, Orphanet 505652, MedGen C4750718, MONDO:0010396, OMIM 300672.

Submission:

Labcorp Genetics (formerly Invitae), Labcorp
Classification: Uncertain significance for Developmental and epileptic encephalopathy, 2; Angelman syndrome-like. Last evaluated: 2021-09-26. Review status: criteria provided, single submitter. Criteria: Invitae Variant Classification Sherloc (09022015). Collection method: clinical testing. Allele origin: germline.
Comment: This variant has not been reported in the literature in individuals affected with CDKL5-related conditions. In summary, the available evidence is currently insufficient to determine the role of this variant in disease. Therefore, it has been classified as a Variant of Uncertain Significance. Experimental studies and prediction algorithms are not available or were not evaluated, and the functional significance of this variant is currently unknown. This variant is not present in population databases (ExAC no frequency). This variant, c.2307_2309dup, results in the insertion of 1 amino acid(s) to the CDKL5 protein (p.Gln770dup), but otherwise preserves the integrity of the reading frame.

NM_001323289.2(CDKL5):c.2307_2309dup (p.Gln770dup)

Gene: CDKL5 (cyclin dependent kinase like 5; plus strand). Cytogenetic location: Xp22.13.
Variant type: Duplication.
Coding change: c.2307_2309dup on transcript NM_001323289.2 (MANE Select); coding-DNA positions 2307 to 2309, 3 bases duplicated (GCA; older notation c.2307_2309dupGCA).
Protein change: p.Gln770dup; duplicates glutamine 770.
Molecular consequence: inframe insertion.
Genome position (GRCh38, 1-based): chrX:18,619,897-18,619,899, GCA duplicated; duplicating any 3 consecutive bases within chrX:18,619,896-18,619,899 gives the same sequence; the c. name uses the placement nearest the transcript's 3' end. VCF-style (leftmost placement, unchanged base first): chrX-18619895-G-GAGC. GRCh37 (hg19) VCF-style: chrX-18638015-G-GAGC.
Other names: c.2307_2309dup, p.Gln770dup (NM_001037343.2, NM_003159.3).
Identifiers: ClinVar variation 1521674 (VCV001521674.6), dbSNP rs1555954068, ClinGen allele CA412363398.